The following is an entry in ClinVar:

ClinVar aggregate classification (germline): Uncertain significance. Review status: criteria provided, multiple submitters, no conflicts (2 of 4 stars). 3 submissions from 3 submitters: Uncertain significance (3). Last evaluated 2025-02-27.

Conditions:
Hypoalphalipoproteinemia, primary, 2. Also called: HYPOALPHALIPOPROTEINEMIA, PRIMARY, 2, AUTOSOMAL RECESSIVE; HIGH DENSITY LIPOPROTEIN DEFICIENCY. Identifiers: MedGen C5551172, MONDO:0032766, OMIM 618463.
Familial visceral amyloidosis, Ostertag type (AMYLD2). Also called: AMYLOIDOSIS, HEREDITARY SYSTEMIC 2; Hereditary Renal Amyloidosis; Ostertag type amyloidosis; AMYLOIDOSIS VIII; Amyloidosis, hepatic and systemic; Familial visceral amyloidosis. Identifiers: Orphanet 85450, MedGen C0268389, MONDO:0007099, OMIM 105200.
Hypoalphalipoproteinemia, primary, 2, intermediate. Also called: HYPOALPHALIPOPROTEINEMIA, PRIMARY, 2, AUTOSOMAL DOMINANT. Identifiers: MedGen C5677030, MONDO:0859238, OMIM 619836.
Cardiovascular phenotype. Identifiers: MedGen CN230736.

Allele frequency attached by ClinVar (database versions not stated): gnomAD exomes below 0.00001.
gnomAD v4.1: 4 of 1,614,188 alleles (0.00025%); highest among the groups gnomAD compares: Non-Finnish European, 0.00025%; no homozygotes.

Submissions (3):

Ambry Genetics
Classification: Uncertain significance for Cardiovascular phenotype. Last evaluated: 2025-02-27. Review status: criteria provided, single submitter. Criteria: Ambry Variant Classification Scheme 2023. Collection method: clinical testing. Allele origin: germline.
Comment: The p.V91L variant (also known as c.271G>T), located in coding exon 3 of the APOA1 gene, results from a G to T substitution at nucleotide position 271. The valine at codon 91 is replaced by leucine, an amino acid with highly similar properties. This amino acid position is conserved. In addition, this alteration is predicted to be tolerated by in silico analysis. Based on the available evidence, the clinical significance of this variant remains unclear.

Labcorp Genetics (formerly Invitae), Labcorp
Classification: Uncertain significance. Last evaluated: 2024-11-24. Review status: criteria provided, single submitter. Criteria: Invitae Variant Classification Sherloc (09022015). Collection method: clinical testing. Allele origin: germline.
Comment: This sequence change replaces valine, which is neutral and non-polar, with leucine, which is neutral and non-polar, at codon 91 of the APOA1 protein (p.Val91Leu). This variant is not present in population databases (gnomAD no frequency). This variant has not been reported in the literature in individuals affected with APOA1-related conditions. ClinVar contains an entry for this variant (Variation ID: 1513939). An algorithm developed to predict the effect of missense changes on protein structure and function outputs the following: PolyPhen-2: "Benign". The leucine amino acid residue is found in multiple mammalian species, which suggests that this missense change does not adversely affect protein function. In summary, the available evidence is currently insufficient to determine the role of this variant in disease. Therefore, it has been classified as a Variant of Uncertain Significance.

Fulgent Genetics
Classification: Uncertain significance for Familial visceral amyloidosis, Ostertag type; Hypoalphalipoproteinemia, primary, 2; Hypoalphalipoproteinemia, primary, 2, intermediate. Last evaluated: 2021-11-19. Review status: criteria provided, single submitter. Criteria: ACMG Guidelines, 2015. Collection method: clinical testing. Allele origin: unknown.

NM_000039.3(APOA1):c.271G>T (p.Val91Leu)

Genes: APOA1 (apolipoprotein A1; minus strand), APOA1-AS (APOA1 antisense RNA; plus strand). Cytogenetic location: 11q23.3.
Variant type: single nucleotide variant.
Coding change: c.271G>T on transcript NM_000039.3 (MANE Select); coding-DNA position 271, G replaced by T.
Protein change: p.Val91Leu; replaces valine 91 with leucine.
Molecular consequence: missense variant.
Genome position (GRCh38, 1-based): chr11:116,836,341, C>A on the plus strand (G>T on the coding strand, the complement: APOA1 is on the minus strand). VCF-style: chr11-116836341-C-A. GRCh37 (hg19) VCF-style: chr11-116707057-C-A.
Other names: c.271G>T, p.Val91Leu (NM_001318017.2, NM_001318018.2); c.-57G>T (NM_001318021.2); short protein forms V91L.
Identifiers: ClinVar variation 1513939 (VCV001513939.8), dbSNP rs2134231457, ClinGen allele CA382717089.
Genomic context (GRCh38, chr11:116,836,341, plus strand): 5'-TCATCTCCTGCCTCAGGCCCTCTGTCTCCTTTTCCAGGTTATCCCAGAACTCCTGGGTCA[C>A]AGGGCCGAGCTGTTCGCGCAGCTTGCTGAAGGTGGAGGTCACGCTGTCCCAGTTGTCAAG-3'
Protein context (NP_000030.1, residues 81-101): FSKLREQLGP[Val91Leu]TQEFWDNLEK